The following is an entry in ClinVar:

ClinVar aggregate classification (germline): Pathogenic (1 of 4 stars; one submission).

Conditions:
Hereditary cancer-predisposing syndrome. Also called: Tumor predisposition; Hereditary neoplastic syndrome; Neoplastic Syndromes, Hereditary; Hereditary Cancer Syndrome. Identifiers: Orphanet 140162, MedGen C0027672, MeSH D009386, MONDO:0015356.

Submission:

Ambry Genetics
Classification: Pathogenic for Hereditary cancer-predisposing syndrome. Last evaluated: 2025-06-07. Review status: criteria provided, single submitter. Criteria: Ambry Variant Classification Scheme 2023. Collection method: clinical testing. Allele origin: germline.
Comment: The c.2539dupG pathogenic mutation, located in coding exon 17 of the BRIP1 gene, results from a duplication of G at nucleotide position 2539, causing a translational frameshift with a predicted alternate stop codon (p.D847Gfs*4). This variant is considered to be rare based on population cohorts in the Genome Aggregation Database (gnomAD). This alteration is expected to result in loss of function by premature protein truncation or nonsense-mediated mRNA decay. As such, this alteration is interpreted as a disease-causing mutation.

NM_032043.3(BRIP1):c.2539dup (p.Asp847fs)

Gene: BRIP1 (BRCA1 interacting DNA helicase 1; minus strand). Cytogenetic location: 17q23.2.
Variant type: Duplication.
Coding change: c.2539dup on transcript NM_032043.3 (MANE Select); coding-DNA position 2539, one base duplicated (G; older notation c.2539dupG).
Protein change: p.Asp847fs; shifts the reading frame from aspartic acid 847.
Molecular consequence: frameshift variant.
Genome position (GRCh38, 1-based): chr17:61,693,466, C duplicated on the plus strand (G on the coding strand, the reverse complement: BRIP1 is on the minus strand). VCF-style (leftmost placement, unchanged base first): chr17-61693465-T-TC. GRCh37 (hg19) VCF-style: chr17-59770826-T-TC.
Other names: c.2539dupG (NM_032043.2); short protein forms D847fs.
Identifiers: ClinVar variation 3993168 (VCV003993168.1).